The following is an entry in ClinVar:

NM_205836.3(FBXO38):c.2062G>A (p.Ala688Thr)

Gene: FBXO38 (F-box protein 38; plus strand). Cytogenetic location: 5q32.
Variant type: single nucleotide variant.
Coding change: c.2062G>A on transcript NM_205836.3 (MANE Select); coding-DNA position 2062, G replaced by A.
Protein change: p.Ala688Thr; replaces alanine 688 with threonine.
Molecular consequence: missense variant. On other transcripts: intron variant (1).
Genome position (GRCh38, 1-based): chr5:148,427,356, G>A. VCF-style: chr5-148427356-G-A. GRCh37 (hg19) VCF-style: chr5-147806919-G-A.
Other names: c.2062G>A, p.Ala688Thr (NM_030793.5); c.1918+1655G>A (NM_001271723.2); short protein forms A688T.
Identifiers: ClinVar variation 1461371 (VCV001461371.8), dbSNP rs913559304, ClinGen allele CA128949811.

ClinVar aggregate classification (germline): Uncertain significance (1 of 4 stars; one submission).

Conditions:
Distal hereditary motor neuropathy type 2. Identifiers: Orphanet 139525, MedGen C3711384, MeSH C580044, MONDO:0015352.

Allele frequency attached by ClinVar (database versions not stated): gnomAD exomes below 0.00001; gnomAD 0.00001; TOPMed 0.00002.
gnomAD v4.1: 1 of 1,614,026 alleles (0.000062%); highest among the groups gnomAD compares: African/African-American, 0.0013%; no homozygotes.

Submission:

Labcorp Genetics (formerly Invitae), Labcorp
Classification: Uncertain significance for Distal hereditary motor neuropathy type 2. Last evaluated: 2020-11-17. Review status: criteria provided, single submitter. Criteria: Invitae Variant Classification Sherloc (09022015). Collection method: clinical testing. Allele origin: germline.
Comment: Algorithms developed to predict the effect of missense changes on protein structure and function are either unavailable or do not agree on the potential impact of this missense change (SIFT: "Deleterious"; PolyPhen-2: "Probably Damaging"; Align-GVGD: "Class C0"). This variant has not been reported in the literature in individuals with FBXO38-related conditions. This variant is not present in population databases (ExAC no frequency). This sequence change replaces alanine with threonine at codon 688 of the FBXO38 protein (p.Ala688Thr). The alanine residue is highly conserved and there is a small physicochemical difference between alanine and threonine. In summary, the available evidence is currently insufficient to determine the role of this variant in disease. Therefore, it has been classified as a Variant of Uncertain Significance.